The following is an entry in ClinVar:

ClinVar aggregate classification (germline): Pathogenic/Likely pathogenic. Review status: criteria provided, multiple submitters, no conflicts (2 of 4 stars). 3 submissions from 3 submitters: Pathogenic (2); Likely pathogenic (1). Last evaluated 2024-05-19.

Conditions:
Recessive dystrophic epidermolysis bullosa (RDEB). Also called: Recessive DEB (RDEB); DYSTROPHIC EPIDERMOLYSIS BULLOSA, AUTOSOMAL RECESSIVE; EPIDERMOLYSIS BULLOSA DYSTROPHICA, HALLOPEAU-SIEMENS TYPE; Hallopeau-Siemens Disease; epidermolysis bullosa dystrophica, autosomal recessive; EPIDERMOLYSIS BULLOSA DYSTROPHICA, GENERALIZED SEVERE, AUTOSOMAL RECESSIVE. Identifiers: Orphanet 79408, Orphanet 79409, MedGen C0079474, MONDO:0009179, OMIM 226600.
Pretibial dystrophic epidermolysis bullosa. Also called: EPIDERMOLYSIS BULLOSA DYSTROPHICA, PRETIBIAL; Pretibial blistering; Pretibial epidermolysis bullosa. Identifiers: Orphanet 79410, MedGen C0432321, MONDO:0007552, OMIM 131850, HP:0012221.
Nonsyndromic congenital nail disorder 8. Also called: TOENAIL DYSTROPHY, ISOLATED. Identifiers: MedGen C1843761, MONDO:0011852, OMIM 607523.
Generalized dominant dystrophic epidermolysis bullosa (DDEB). Also called: Dominant DEB (DDEB); DDEB, generalized; DDEB-gen; DYSTROPHIC EPIDERMOLYSIS BULLOSA, AUTOSOMAL DOMINANT; Epidermolysis bullosa dystrophica, autosomal dominant. Identifiers: Orphanet 231568, MedGen C0432322, MONDO:0007549, OMIM 131750.
Dominant dystrophic epidermolysis bullosa with absence of skin. Also called: EPIDERMOLYSIS BULLOSA DYSTROPHICA, BART TYPE; EPIDERMOLYSIS BULLOSA WITH CONGENITAL LOCALIZED ABSENCE OF SKIN AND DEFORMITY OF NAILS. Identifiers: MedGen C0268371, MONDO:0007557, OMIM 132000.
Transient bullous dermolysis of the newborn (TBDN). Also called: EPIDERMOLYSIS BULLOSA DYSTROPHICA, NEONATAL FORM; DYSTROPHIC EPIDERMOLYSIS BULLOSA, NEONATAL. Identifiers: Orphanet 79411, MedGen C1851573, MONDO:0007548, OMIM 131705.
Epidermolysis bullosa pruriginosa. Also called: DEB, PRURIGINOSA; DYSTROPHIC EPIDERMOLYSIS BULLOSA PRURIGINOSA. Identifiers: Orphanet 89843, MedGen C1275114, MONDO:0011398, OMIM 604129.

Submissions (3):

Fulgent Genetics
Classification: Likely pathogenic for Transient bullous dermolysis of the newborn; Generalized dominant dystrophic epidermolysis bullosa; Pretibial dystrophic epidermolysis bullosa; Dominant dystrophic epidermolysis bullosa with absence of skin; Recessive dystrophic epidermolysis bullosa; Epidermolysis bullosa pruriginosa; Nonsyndromic congenital nail disorder 8. Last evaluated: 2024-05-19. Review status: criteria provided, single submitter. Criteria: ACMG Guidelines, 2015. Collection method: clinical testing. Allele origin: germline.

Labcorp Genetics (formerly Invitae), Labcorp
Classification: Pathogenic. Last evaluated: 2023-12-26. Review status: criteria provided, single submitter. Criteria: Invitae Variant Classification Sherloc (09022015). Collection method: clinical testing. Allele origin: germline.
Comment: This sequence change creates a premature translational stop signal (p.Tyr112*) in the COL7A1 gene. It is expected to result in an absent or disrupted protein product. Loss-of-function variants in COL7A1 are known to be pathogenic (PMID: 16971478). This variant is not present in population databases (gnomAD no frequency). This premature translational stop signal has been observed in individual(s) with autosomal recessive dystrophic epidermolysis bullosa (PMID: 35979658). ClinVar contains an entry for this variant (Variation ID: 1676617). Algorithms developed to predict the effect of sequence changes on RNA splicing suggest that this variant may disrupt the consensus splice site. For these reasons, this variant has been classified as Pathogenic.

Center for Research in Genodermatoses and Epidermolysis Bullosa, University of Buenos Aires
Classification: Pathogenic for Recessive dystrophic epidermolysis bullosa. Last evaluated: 2022-03-14. Review status: criteria provided, single submitter. Criteria: ACMG Guidelines, 2015. Collection method: clinical testing. Allele origin: maternal. Affected: yes. Observed: 1 variant allele, 1 compound heterozygote.

Literature cited by the submitters: PubMed 16971478 (cited by Labcorp Genetics (formerly Invitae), Labcorp); PubMed 35979658 (cited by Labcorp Genetics (formerly Invitae), Labcorp and Center for Research in Genodermatoses and Epidermolysis Bullosa, University of Buenos Aires).

NM_000094.4(COL7A1):c.329_332dup (p.Ser111_Tyr112insTer)

Gene: COL7A1 (collagen type VII alpha 1 chain; minus strand). Cytogenetic location: 3p21.31.
Variant type: Duplication.
Coding change: c.329_332dup on transcript NM_000094.4 (MANE Select); coding-DNA positions 329 to 332, 4 bases duplicated (TTAG; older notation c.329_332dupTTAG).
Protein change: p.Ser111_Tyr112insTer.
Molecular consequence: nonsense.
Genome position (GRCh38, 1-based): chr3:48,593,631-48,593,634, CTAA duplicated on the plus strand (TTAG on the coding strand, the reverse complement: COL7A1 is on the minus strand). VCF-style (leftmost placement, unchanged base first): chr3-48593630-G-GCTAA. GRCh37 (hg19) VCF-style: chr3-48631063-G-GCTAA.
Identifiers: ClinVar variation 1676617 (VCV001676617.5), dbSNP rs1256976418, ClinGen allele CA907759857.